The following is an entry in ClinVar:

ClinVar aggregate classification (germline): Benign/Likely benign. Review status: criteria provided, multiple submitters, no conflicts (2 of 4 stars). 3 submissions from 3 submitters: Benign (1); Likely benign (2). Last evaluated 2026-04-17.

Conditions:
DICER1-related tumor predisposition. Also called: DICER1 syndrome; DICER1-related pleuropulmonary blastoma cancer predisposition syndrome. Identifiers: Orphanet 284343, MedGen C3839822, MONDO:0100216.
Hereditary cancer-predisposing syndrome. Also called: Neoplastic Syndromes, Hereditary; Tumor predisposition; Hereditary Cancer Syndrome; Hereditary neoplastic syndrome. Identifiers: Orphanet 140162, MedGen C0027672, MeSH D009386, MONDO:0015356.

Allele frequency attached by ClinVar (database versions not stated): gnomAD exomes below 0.00001; gnomAD 0.00001.
gnomAD v4.1: 2 of 1,614,176 alleles (0.00012%); highest among the groups gnomAD compares: Non-Finnish European, 0.00017%; no homozygotes.

Submissions (3):

Myriad Genetics, Inc.
Classification: Benign for DICER1-related tumor predisposition. Last evaluated: 2026-04-17. Review status: criteria provided, single submitter. Criteria: Myriad Autosomal Dominant, Autosomal Recessive and X-Linked Classification Criteria (2023). Collection method: clinical testing. Allele origin: unknown.
Comment: This variant is considered benign. This variant is a silent/synonymous amino acid change and it is not expected to impact splicing.

Labcorp Genetics (formerly Invitae), Labcorp
Classification: Likely benign for DICER1-related tumor predisposition. Last evaluated: 2025-09-28. Review status: criteria provided, single submitter. Criteria: Invitae Variant Classification Sherloc (09022015). Collection method: clinical testing. Allele origin: germline.

Ambry Genetics
Classification: Likely benign for Hereditary cancer-predisposing syndrome. Last evaluated: 2024-01-31. Review status: criteria provided, single submitter. Criteria: Ambry Variant Classification Scheme 2023. Collection method: clinical testing. Allele origin: germline.

NM_177438.3(DICER1):c.3873C>T (p.Gly1291=)

Gene: DICER1 (dicer 1, ribonuclease III; minus strand). Cytogenetic location: 14q32.13.
Variant type: single nucleotide variant.
Coding change: c.3873C>T on transcript NM_177438.3 (MANE Select); coding-DNA position 3873, C replaced by T.
Protein change: p.Gly1291=; no amino-acid change (glycine 1291 retained).
Molecular consequence: synonymous variant.
Genome position (GRCh38, 1-based): chr14:95,103,523, G>A on the plus strand (C>T on the coding strand, the complement: DICER1 is on the minus strand). VCF-style: chr14-95103523-G-A. GRCh37 (hg19) VCF-style: chr14-95569860-G-A.
Other names: c.3873C>T, p.Gly1291= (NM_001195573.1, NM_001271282.3, NM_001291628.2 and 1 more transcripts); c.3873C>T (NM_177438.2).
Identifiers: ClinVar variation 1095042 (VCV001095042.12), dbSNP rs1891087981, ClinGen allele CA487844393.